The following is an entry in ClinVar:

ClinVar aggregate classification (germline): Pathogenic (1 of 4 stars; one submission).

Conditions:
Sphingolipid activator protein 1 deficiency. Also called: METACHROMATIC LEUKODYSTROPHY DUE TO CEREBROSIDE SULFATASE ACTIVATOR DEFICIENCY; Metachromatic leukodystrophy due to saposin B deficiency; Saposin B Deficiency. Identifiers: Orphanet 512, MedGen C0268262, MONDO:0009590, OMIM 249900.

Submission:

Labcorp Genetics (formerly Invitae), Labcorp
Classification: Pathogenic for Sphingolipid activator protein 1 deficiency. Last evaluated: 2021-07-18. Review status: criteria provided, single submitter. Criteria: Invitae Variant Classification Sherloc (09022015). Collection method: clinical testing. Allele origin: germline.
Comment: For these reasons, this variant has been classified as Pathogenic. This variant disrupts a region of the PSAP protein in which other variant(s) (p.Thr217Ile) have been determined to be pathogenic (PMID: 2302219, 2320574; Invitae). This suggests that this is a clinically significant region of the protein, and that variants that disrupt it are likely to be disease-causing. This variant has not been reported in the literature in individuals affected with PSAP-related conditions. This variant is a gross deletion of the genomic region encompassing exon(s) 5-6 of the PSAP gene. This variant would be expected to be in-frame, preserving the integrity of the reading frame.

Literature cited by the submitters: PubMed 2302219; PubMed 2320574.

NC_000010.10:g.(?_73587761)_(73588844_?)del

Gene: PSAP (prosaposin; minus strand). Cytogenetic location: 10q22.1.
Variant type: Deletion.
Identifiers: ClinVar variation 1366889 (VCV001366889.5).